The following is an entry in ClinVar:

NC_000016.9:g.(89871801_89874701)_(89877480_89880927)del

Gene: FANCA (FA complementation group A; minus strand). Cytogenetic location: 16q24.3.
Variant type: Deletion.
Identifiers: ClinVar variation 3384886 (VCV003384886.1).

ClinVar aggregate classification (germline): Pathogenic (1 of 4 stars; one submission).

Conditions:
Fanconi anemia (FA). Also called: Fanconi's anemia. Identifiers: Orphanet 84, MedGen C0015625, MeSH D005199, MONDO:0019391.

Submission:

Women's Health and Genetics/Laboratory Corporation of America, LabCorp
Classification: Pathogenic for Fanconi anemia. Last evaluated: 2024-10-07. Review status: criteria provided, single submitter. Criteria: LabCorp Variant Classification Summary - May 2015. Collection method: clinical testing. Allele origin: germline.
Comment: Variant summary: The variant involves the deletion of exons 4-6 in the FANCA gene. This Copy Number Variant (CNV) is expected to alter the reading frame and predicted to result in a truncation or absence of the encoded protein due to nonsense mediated decay (NMD). A presumed nomenclature of c.(283+1_284-1)_(596+1_597-1)del has been designated for the purposes of this classification. The variant was absent in 19544 control chromosomes. c.(283+1_284-1)_(596+1_597-1)del has been reported in the literature in at-least one individual affected with Fanconi Anemia (example: Castella_2011). These data indicate that the variant may be associated with disease.The following publication has been ascertained in the context of this evaluation (PMID: 1273304). No submitters have cited clinical-significance assessments for this variant to ClinVar. Based on the evidence outlined above, the variant was classified as pathogenic.

Literature cited by the submitters: PubMed 1273304.